The following is an entry in ClinVar:

ClinVar aggregate classification (germline): Uncertain significance (1 of 4 stars; one submission).

gnomAD v4.1: 2 of 1,613,926 alleles (0.00012%); highest among the groups gnomAD compares: Non-Finnish European, 0.000085%; no homozygotes.

Submission:

Labcorp Genetics (formerly Invitae), Labcorp
Classification: Uncertain significance. Last evaluated: 2024-12-09. Review status: criteria provided, single submitter. Criteria: Invitae Variant Classification Sherloc (09022015). Collection method: clinical testing. Allele origin: germline.
Comment: This sequence change replaces phenylalanine, which is neutral and non-polar, with leucine, which is neutral and non-polar, at codon 273 of the CLCN7 protein (p.Phe273Leu). This variant is not present in population databases (gnomAD no frequency). This variant has not been reported in the literature in individuals affected with CLCN7-related conditions. ClinVar contains an entry for this variant (Variation ID: 1718783). Invitae Evidence Modeling of protein sequence and biophysical properties (such as structural, functional, and spatial information, amino acid conservation, physicochemical variation, residue mobility, and thermodynamic stability) indicates that this missense variant is not expected to disrupt CLCN7 protein function with a negative predictive value of 95%. In summary, the available evidence is currently insufficient to determine the role of this variant in disease. Therefore, it has been classified as a Variant of Uncertain Significance.

NM_001287.6(CLCN7):c.819C>G (p.Phe273Leu)

Gene: CLCN7 (chloride voltage-gated channel 7; minus strand). Cytogenetic location: 16p13.3.
Variant type: single nucleotide variant.
Coding change: c.819C>G on transcript NM_001287.6 (MANE Select); coding-DNA position 819, C replaced by G.
Protein change: p.Phe273Leu; replaces phenylalanine 273 with leucine.
Molecular consequence: missense variant.
Genome position (GRCh38, 1-based): chr16:1,457,257, G>C on the plus strand (C>G on the coding strand, the complement: CLCN7 is on the minus strand). VCF-style: chr16-1457257-G-C. GRCh37 (hg19) VCF-style: chr16-1507258-G-C.
Other names: c.747C>G, p.Phe249Leu (NM_001114331.3); short protein forms F249L, F273L.
Identifiers: ClinVar variation 1718783 (VCV001718783.5), dbSNP rs2038848913, ClinGen allele CA394190982.
Genomic context (GRCh38, chr16:1,457,257, plus strand): 5'-GTGCCCGTGCCCGTGCCCATGGCATCTGGAGCCCACCCACACAAGATTTCAACTCACCTT[G>C]AAATCTCGTTTCAGTGACGTTGACCTTCCCTGAGAGATCCCGGCGGCAATCACTGAACCT-3'
Protein context (NP_001278.1, residues 263-283): QGRSTSLKRD[Phe273Leu]KIFEYFRRDT